The following is an entry in ClinVar:

NM_001272071.2(AP1S2):c.386A>T (p.Asn129Ile)

Gene: AP1S2 (adaptor related protein complex 1 subunit sigma 2; minus strand). Cytogenetic location: Xp22.2.
Variant type: single nucleotide variant.
Coding change: c.386A>T on transcript NM_001272071.2 (MANE Select); coding-DNA position 386, A replaced by T.
Protein change: p.Asn129Ile; replaces asparagine 129 with isoleucine.
Molecular consequence: missense variant. On other transcripts: non-coding transcript variant (2).
Genome position (GRCh38, 1-based): chrX:15,845,419, T>A on the plus strand (A>T on the coding strand, the complement: AP1S2 is on the minus strand). VCF-style: chrX-15845419-T-A. GRCh37 (hg19) VCF-style: chrX-15863542-T-A.
Other names: c.386A>T, p.Asn129Ile (NM_001368994.1, NM_001369007.1, NM_001369008.1 and 1 more transcripts); short protein forms N129I.
Identifiers: ClinVar variation 1417291 (VCV001417291.8), dbSNP rs2147318598, ClinGen allele CA412458663.

ClinVar aggregate classification (germline): Uncertain significance (1 of 4 stars; one submission).

Allele frequency attached by ClinVar (database versions not stated): gnomAD exomes below 0.00001.
gnomAD v4.1: 1 of 1,210,275 alleles (0.000083%); highest among the groups gnomAD compares: Non-Finnish European, 0.00011%; no homozygotes.

Submission:

Labcorp Genetics (formerly Invitae), Labcorp
Classification: Uncertain significance. Last evaluated: 2022-08-22. Review status: criteria provided, single submitter. Criteria: Invitae Variant Classification Sherloc (09022015). Collection method: clinical testing. Allele origin: germline.
Comment: This sequence change replaces asparagine, which is neutral and polar, with isoleucine, which is neutral and non-polar, at codon 129 of the AP1S2 protein (p.Asn129Ile). In summary, the available evidence is currently insufficient to determine the role of this variant in disease. Therefore, it has been classified as a Variant of Uncertain Significance. Algorithms developed to predict the effect of missense changes on protein structure and function are either unavailable or do not agree on the potential impact of this missense change (SIFT: "Deleterious"; PolyPhen-2: "Benign"; Align-GVGD: "Class C25"). ClinVar contains an entry for this variant (Variation ID: 1417291). This variant has not been reported in the literature in individuals affected with AP1S2-related conditions. This variant is not present in population databases (gnomAD no frequency).